The following is an entry in ClinVar:

NM_000285.4(PEPD):c.1195A>G (p.Thr399Ala)

Gene: PEPD (peptidase D; minus strand). Cytogenetic location: 19q13.11.
Variant type: single nucleotide variant.
Coding change: c.1195A>G on transcript NM_000285.4 (MANE Select); coding-DNA position 1195, A replaced by G.
Protein change: p.Thr399Ala; replaces threonine 399 with alanine.
Molecular consequence: missense variant.
Genome position (GRCh38, 1-based): chr19:33,388,039, T>C on the plus strand (A>G on the coding strand, the complement: PEPD is on the minus strand). VCF-style: chr19-33388039-T-C. GRCh37 (hg19) VCF-style: chr19-33878945-T-C.
Other names: c.1072A>G, p.Thr358Ala (NM_001166056.2); c.1003A>G, p.Thr335Ala (NM_001166057.2); short protein forms T399A, T335A, T358A.
Identifiers: ClinVar variation 2162139 (VCV002162139.1), dbSNP rs2513375496, ClinGen allele CA405220870.

ClinVar aggregate classification (germline): Uncertain significance (1 of 4 stars; one submission).

Allele frequency attached by ClinVar (database versions not stated): gnomAD exomes below 0.00001.
gnomAD v4.1: 2 of 1,561,480 alleles (0.00013%); highest among the groups gnomAD compares: Non-Finnish European, 0.00017%; no homozygotes.

Submission:

Labcorp Genetics (formerly Invitae), Labcorp
Classification: Uncertain significance. Last evaluated: 2022-08-07. Review status: criteria provided, single submitter. Criteria: Invitae Variant Classification Sherloc (09022015). Collection method: clinical testing. Allele origin: germline.
Comment: This sequence change replaces threonine, which is neutral and polar, with alanine, which is neutral and non-polar, at codon 399 of the PEPD protein (p.Thr399Ala). This variant is not present in population databases (gnomAD no frequency). This variant has not been reported in the literature in individuals affected with PEPD-related conditions. Algorithms developed to predict the effect of missense changes on protein structure and function (SIFT, PolyPhen-2, Align-GVGD) all suggest that this variant is likely to be tolerated. In summary, the available evidence is currently insufficient to determine the role of this variant in disease. Therefore, it has been classified as a Variant of Uncertain Significance.